The following is an entry in ClinVar:

ClinVar aggregate classification (germline): Uncertain significance (1 of 4 stars; one submission).

Conditions:
Cardiomyopathy (CMYO). Also called: Cardiomyopathies. Identifiers: Orphanet 167848, MedGen C0878544, MONDO:0004994, HP:0001638. Inheritance: Various modes of inheritance.

gnomAD v4.1: 8 of 1,614,086 alleles (0.0005%); highest among the groups gnomAD compares: Non-Finnish European, 0.00068%; no homozygotes.

Submission:

Color Diagnostics, LLC DBA Color Health
Classification: Uncertain significance for Cardiomyopathy. Last evaluated: 2025-09-05. Review status: criteria provided, single submitter. Criteria: ACMG Guidelines, 2015. Collection method: clinical testing. Allele origin: germline.
Comment: This missense variant replaces methionine with threonine at codon 326 of the TMEM43 protein. Computational prediction suggests that this variant may not impact protein structure and function. To our knowledge, functional studies have not been reported for this variant. This variant has not been reported in individuals affected with TMEM43-related disorders in the literature. This variant has been identified in 1/251458 chromosomes in the general population by the Genome Aggregation Database (gnomAD). The available evidence is insufficient to determine the role of this variant in disease conclusively. Therefore, this variant is classified as a Variant of Uncertain Significance.

NM_024334.3(TMEM43):c.977T>C (p.Met326Thr)

Gene: TMEM43 (transmembrane protein 43; plus strand). Cytogenetic location: 3p25.1.
Variant type: single nucleotide variant.
Coding change: c.977T>C on transcript NM_024334.3 (MANE Select); coding-DNA position 977, T replaced by C.
Protein change: p.Met326Thr; replaces methionine 326 with threonine.
Molecular consequence: missense variant.
Genome position (GRCh38, 1-based): chr3:14,139,274, T>C. VCF-style: chr3-14139274-T-C. GRCh37 (hg19) VCF-style: chr3-14180774-T-C.
Other names: c.980T>C, p.Met327Thr (NM_001407274.1); c.974T>C, p.Met325Thr (NM_001407275.1, NM_001407276.1); c.971T>C, p.Met324Thr (NM_001407277.1); c.962T>C, p.Met321Thr (NM_001407278.1); c.902T>C, p.Met301Thr (NM_001407279.1); c.827T>C, p.Met276Thr (NM_001407280.1); short protein forms M276T, M301T, M321T, M324T, M325T, M326T, M327T.
Identifiers: ClinVar variation 4757863 (VCV004757863.1).
Genomic context (GRCh38, chr3:14,139,274, plus strand): 5'-TGAAGACCTGGGGCCTGCGGGCAGCTGGCTGGATGGCCATGTTCATGGGCCTCAACCTTA[T>C]GACACGGATCCTCTACACCTTGGGTAGGTGTTGGGGTGGGTCACTGCCCTCCCTCCTGCA-3'
Protein context (NP_077310.1, residues 316-336): WMAMFMGLNL[Met326Thr]TRILYTLVDW